The following is an entry in ClinVar:

ClinVar aggregate classification (germline): Likely benign (1 of 4 stars; one submission).

Conditions:
Familial cancer of breast. Also called: BREAST CANCER, FAMILIAL; Hereditary breast cancer; hereditary breast carcinoma. Identifiers: Orphanet 227535, MedGen C0346153, MONDO:0016419, OMIM 114480. Disease mechanism: loss of function.

Allele frequency attached by ClinVar (database versions not stated): gnomAD exomes below 0.00001.
gnomAD v4.1: 1 of 1,613,956 alleles (0.000062%); highest among the groups gnomAD compares: Non-Finnish European, 0.000085%; no homozygotes.

Submission:

Myriad Genetics, Inc.
Classification: Likely benign for Familial cancer of breast. Last evaluated: 2024-05-13. Review status: criteria provided, single submitter. Criteria: Myriad Autosomal Dominant, Autosomal Recessive and X-Linked Classification Criteria (2023). Collection method: clinical testing. Allele origin: unknown.
Comment: This variant is considered likely benign. This variant is intronic and is not expected to impact mRNA splicing.

NM_000051.4(ATM):c.3077+10G>A

Gene: ATM (ATM serine/threonine kinase; plus strand). Cytogenetic location: 11q22.3.
Variant type: single nucleotide variant.
Coding change: c.3077+10G>A on transcript NM_000051.4 (MANE Select); 10 bases into the intron after coding-DNA position 3077, G replaced by A.
Molecular consequence: intron variant.
Genome position (GRCh38, 1-based): chr11:108,271,416, G>A. VCF-style: chr11-108271416-G-A. GRCh37 (hg19) VCF-style: chr11-108142143-G-A.
Other names: c.3077+10G>A (NM_001351834.2).
Identifiers: ClinVar variation 3253931 (VCV003253931.1), dbSNP rs2135555359.